The following is an entry in ClinVar:

NM_000255.4(MMUT):c.421del (p.Ala141fs)

Gene: MMUT (methylmalonyl-CoA mutase; minus strand). Cytogenetic location: 6p12.3.
Variant type: Deletion.
Coding change: c.421del on transcript NM_000255.4 (MANE Select); coding-DNA position 421, one base deleted (G; older notation c.421delG).
Protein change: p.Ala141fs; shifts the reading frame from alanine 141.
Molecular consequence: frameshift variant.
Genome position (GRCh38, 1-based): chr6:49,458,023, C deleted on the plus strand (G on the coding strand, the reverse complement: MMUT is on the minus strand); the first of 2 consecutive C bases (chr6:49,458,023-49,458,024); deleting either gives the same sequence. VCF-style (leftmost placement, unchanged base first): chr6-49458022-GC-G. GRCh37 (hg19) VCF-style: chr6-49425735-GC-G.
Other names: short protein forms A141fs.
Identifiers: ClinVar variation 928834 (VCV000928834.4), dbSNP rs1767738752, ClinGen allele CA1139659605.

ClinVar aggregate classification (germline): Pathogenic. Review status: criteria provided, multiple submitters, no conflicts (2 of 4 stars). 2 submissions from 2 submitters: Pathogenic (2). Last evaluated 2023-03-18.

Conditions:
Methylmalonic acidemia (MMA). Also called: Isolated Methylmalonic Acidemia. Identifiers: MedGen C0268583, MeSH C537358, MONDO:0002012, HP:0002912.

Submissions (2):

Labcorp Genetics (formerly Invitae), Labcorp
Classification: Pathogenic. Last evaluated: 2023-03-18. Review status: criteria provided, single submitter. Criteria: Invitae Variant Classification Sherloc (09022015). Collection method: clinical testing. Allele origin: germline.
Comment: This sequence change creates a premature translational stop signal (p.Ala141Argfs*39) in the MUT gene. It is expected to result in an absent or disrupted protein product. Loss-of-function variants in MUT are known to be pathogenic (PMID: 15781192). This variant is not present in population databases (gnomAD no frequency). This premature translational stop signal has been observed in individual(s) with methylmalonic aciduria (PMID: 12402345, 33453710). This variant is also known as 497delG. ClinVar contains an entry for this variant (Variation ID: 928834). For these reasons, this variant has been classified as Pathogenic.

Women's Health and Genetics/Laboratory Corporation of America, LabCorp
Classification: Pathogenic for Methylmalonic acidemia. Last evaluated: 2019-08-15. Review status: criteria provided, single submitter. Criteria: LabCorp Variant Classification Summary - May 2015. Collection method: clinical testing. Allele origin: germline.
Comment: Variant summary: MUT c.421delG (p.Ala141ArgfsX39) results in a premature termination codon, predicted to cause a truncation of the encoded protein or absence of the protein due to nonsense mediated decay, which are commonly known mechanisms for disease. Truncations downstream of this position have been classified as pathogenic by our laboratory. The variant was absent in 241918 control chromosomes (gnomAD). c.421delG has been reported in the literature in multiple individuals affected with Methylmalonic Acidemia (Peters_2002, Dundar_2012, Forny_2016). These data indicate that the variant is very likely to be associated with disease. To our knowledge, no experimental evidence demonstrating an impact on protein function has been reported. No clinical diagnostic laboratories have submitted clinical-significance assessments for this variant to ClinVar after 2014. Based on the evidence outlined above, the variant was classified as pathogenic.

Literature cited by the submitters: PubMed 15781192 (cited by Labcorp Genetics (formerly Invitae), Labcorp); PubMed 12402345 (cited by Labcorp Genetics (formerly Invitae), Labcorp and Women's Health and Genetics/Laboratory Corporation of America, LabCorp); PubMed 33453710 (cited by Labcorp Genetics (formerly Invitae), Labcorp); PubMed 22727635 (cited by Women's Health and Genetics/Laboratory Corporation of America, LabCorp); PubMed 27233228 (cited by Women's Health and Genetics/Laboratory Corporation of America, LabCorp); PubMed 27167370 (cited by Women's Health and Genetics/Laboratory Corporation of America, LabCorp).